The following is an entry in ClinVar:

NM_004364.5(CEBPA):c.776C>G (p.Ala259Gly)

Gene: CEBPA (CCAAT enhancer binding protein alpha; minus strand). Cytogenetic location: 19q13.11.
Variant type: single nucleotide variant.
Coding change: c.776C>G on transcript NM_004364.5 (MANE Select); coding-DNA position 776, C replaced by G.
Protein change: p.Ala259Gly; replaces alanine 259 with glycine.
Molecular consequence: missense variant.
Genome position (GRCh38, 1-based): chr19:33,301,639, G>C on the plus strand (C>G on the coding strand, the complement: CEBPA is on the minus strand). VCF-style: chr19-33301639-G-C. GRCh37 (hg19) VCF-style: chr19-33792545-G-C.
Other names: c.419C>G, p.Ala140Gly (NM_001285829.2); c.881C>G, p.Ala294Gly (NM_001287424.2); c.734C>G, p.Ala245Gly (NM_001287435.2); c.776C>G (NM_004364.3); short protein forms A140G, A259G, A245G, A294G.
Identifiers: ClinVar variation 660604 (VCV000660604.13), dbSNP rs746895795, ClinGen allele CA405274237.
Genomic context (GRCh38, chr19:33,301,639, plus strand): 5'-TCCACCGACTTCTTGGCCTTGCCCGCGCCGCTGCCGCCACTCGCGCGGAGGTCGGGGTGC[G>C]CGGCGCCCAGCCCCTTGAGCGCGCTGCCAGGGCCCGGCAGGCCGGCGGCACCGAGCGCGG-3'
Protein context (NP_004355.2, residues 249-269): PGSALKGLGA[Ala259Gly]HPDLRASGGS

ClinVar aggregate classification (germline): Conflicting classifications of pathogenicity. Review status: criteria provided, conflicting classifications (1 of 4 stars). 3 submissions from 3 submitters: Uncertain significance (2); Likely benign (1). Last evaluated 2025-02-14.

Conditions:
Inborn genetic diseases. Identifiers: MedGen C0950123, MeSH D030342.
Acute myeloid leukemia (AML). Also called: Acute myeloid leukemia, adult; AML adult; Acute non-lymphocytic leukemia; Acute granulocytic leukemia; Leukemia, acute myeloid, somatic; Leukemia, acute myelogenous, somatic. Identifiers: Orphanet 519, MedGen C0023467, MeSH D015470, MONDO:0018874, OMIM 601626, HP:0004808. Disease mechanism: Constitutively activated FLT3.

Allele frequency attached by ClinVar (database versions not stated): TOPMed below 0.00001.

Submissions (3):

Ambry Genetics
Classification: Likely benign for Inborn genetic diseases. Last evaluated: 2025-02-14. Review status: criteria provided, single submitter. Criteria: Ambry Variant Classification Scheme 2023. Collection method: clinical testing. Allele origin: germline.

Labcorp Genetics (formerly Invitae), Labcorp
Classification: Uncertain significance for Acute myeloid leukemia. Last evaluated: 2023-10-30. Review status: criteria provided, single submitter. Criteria: Invitae Variant Classification Sherloc (09022015). Collection method: clinical testing. Allele origin: germline.
Comment: This sequence change replaces alanine, which is neutral and non-polar, with glycine, which is neutral and non-polar, at codon 259 of the CEBPA protein (p.Ala259Gly). This variant is not present in population databases (gnomAD no frequency). This variant has not been reported in the literature in individuals affected with CEBPA-related conditions. ClinVar contains an entry for this variant (Variation ID: 660604). Algorithms developed to predict the effect of missense changes on protein structure and function output the following: SIFT: "Not Available"; PolyPhen-2: "Benign"; Align-GVGD: "Not Available". The glycine amino acid residue is found in multiple mammalian species, which suggests that this missense change does not adversely affect protein function. In summary, the available evidence is currently insufficient to determine the role of this variant in disease. Therefore, it has been classified as a Variant of Uncertain Significance.

Baylor Genetics
Classification: Uncertain significance for Acute myeloid leukemia. Last evaluated: 2023-10-27. Review status: criteria provided, single submitter. Criteria: ACMG Guidelines, 2015. Collection method: clinical testing. Allele origin: unknown.